The following is an entry in ClinVar:

ClinVar aggregate classification (germline): Likely benign. Review status: criteria provided, multiple submitters, no conflicts (2 of 4 stars). 2 submissions from 2 submitters: Likely benign (2). Last evaluated 2026-06-01.

Allele frequency attached by ClinVar (database versions not stated): ExAC 0.00004; gnomAD 0.00005; gnomAD exomes 0.00005; TOPMed 0.00005.
gnomAD v4.1: 191 of 1,600,390 alleles (0.012%); highest among the groups gnomAD compares: Non-Finnish European, 0.015%; no homozygotes.

Submissions (2):

CeGaT Center for Human Genetics Tuebingen
Classification: Likely benign. Last evaluated: 2026-06-01. Review status: criteria provided, single submitter. Criteria: CeGaT Center For Human Genetics Tuebingen Variant Classification Criteria Version 2. Collection method: clinical testing. Allele origin: germline. Affected: yes. Observed: 1 variant allele.
Comment: AGXT: BP4, BP7

Labcorp Genetics (formerly Invitae), Labcorp
Classification: Likely benign. Last evaluated: 2025-11-12. Review status: criteria provided, single submitter. Criteria: Invitae Variant Classification Sherloc (09022015). Collection method: clinical testing. Allele origin: germline.

NM_000030.3(AGXT):c.480C>T (p.Thr160=)

Gene: AGXT (alanine--glyoxylate aminotransferase; plus strand). Cytogenetic location: 2q37.3.
Variant type: single nucleotide variant.
Coding change: c.480C>T on transcript NM_000030.3 (MANE Select); coding-DNA position 480, C replaced by T.
Protein change: p.Thr160=; no amino-acid change (threonine 160 retained).
Molecular consequence: synonymous variant.
Genome position (GRCh38, 1-based): chr2:240,871,405, C>T. VCF-style: chr2-240871405-C-T. GRCh37 (hg19) VCF-style: chr2-241810822-C-T.
Identifiers: ClinVar variation 732145 (VCV000732145.12), dbSNP rs773166371, ClinGen allele CA2209099.